The following is an entry in ClinVar:

ClinVar aggregate classification (germline): Pathogenic (1 of 4 stars; one submission).

Conditions:
Chuvash polycythemia. Also called: POLYCYTHEMIA, VHL-DEPENDENT. Identifiers: Orphanet 238557, MedGen C1837915, MONDO:0009892, OMIM 263400.
Von Hippel-Lindau syndrome (VHLS). Also called: Von Hippel-Lindau; von Hippel–Lindau syndrome; VHL syndrome. Identifiers: Orphanet 892, MedGen C0019562, MONDO:0008667, OMIM 193300. Disease mechanism: loss of function.

Submission:

Labcorp Genetics (formerly Invitae), Labcorp
Classification: Pathogenic for Von Hippel-Lindau syndrome; Chuvash polycythemia. Last evaluated: 2018-03-28. Review status: criteria provided, single submitter. Criteria: Invitae Variant Classification Sherloc (09022015). Collection method: clinical testing. Allele origin: germline.
Comment: This sequence change creates a premature translational stop signal (p.Val87Alafs*50) in the VHL gene. It is expected to result in an absent or disrupted protein product. For these reasons, this variant has been classified as Pathogenic. Loss-of-function variants in VHL are known to be pathogenic (PMID: 8956040, 12202531). This variant has not been reported in the literature in individuals with VHL-related disease. This variant is not present in population databases (ExAC no frequency).

Literature cited by the submitters: PubMed 8956040; PubMed 12202531.

NM_000551.4(VHL):c.244_259dup (p.Val87fs)

Gene: VHL (von Hippel-Lindau tumor suppressor; plus strand). Cytogenetic location: 3p25.3.
Variant type: Duplication.
Coding change: c.244_259dup on transcript NM_000551.4 (MANE Select); coding-DNA positions 244 to 259, 16 bases duplicated (CGCGTCGTGCTGCCCG).
Protein change: p.Val87fs; shifts the reading frame from valine 87.
Molecular consequence: frameshift variant.
Genome position (GRCh38, 1-based): chr3:10,142,091-10,142,106, CGCGTCGTGCTGCCCG duplicated; duplicating any 16 consecutive bases within chr3:10,142,088-10,142,106 gives the same sequence; the c. name uses the placement nearest the transcript's 3' end. VCF-style (leftmost placement, unchanged base first): chr3-10142087-T-TCCGCGCGTCGTGCTGC. GRCh37 (hg19) VCF-style: chr3-10183771-T-TCCGCGCGTCGTGCTGC.
Other names: c.244_259dup, p.Val87fs (NM_001354723.2, NM_198156.3); short protein forms V87fs.
Identifiers: ClinVar variation 1071196 (VCV001071196.7), dbSNP rs2125125105, ClinGen allele CA2499216351.
Genomic context (GRCh38, chr3:10,142,087, plus strand): 5'-GCCCGTGCTGCGCTCGGTGAACTCGCGCGAGCCCTCCCAGGTCATCTTCTGCAATCGCAG[T>TCCGCGCGTCGTGCTGC]CCGCGCGTCGTGCTGCCCGTATGGCTCAACTTCGACGGCGAGCCGCAGCCCTACCCAACG-3'